The following is an entry in ClinVar:

NM_000393.5(COL5A2):c.3316C>T (p.Arg1106Trp)

Gene: COL5A2 (collagen type V alpha 2 chain; minus strand). Cytogenetic location: 2q32.2.
Variant type: single nucleotide variant.
Coding change: c.3316C>T on transcript NM_000393.5 (MANE Select); coding-DNA position 3316, C replaced by T.
Protein change: p.Arg1106Trp; replaces arginine 1106 with tryptophan.
Molecular consequence: missense variant.
Genome position (GRCh38, 1-based): chr2:189,045,226, G>A on the plus strand (C>T on the coding strand, the complement: COL5A2 is on the minus strand). VCF-style: chr2-189045226-G-A. GRCh37 (hg19) VCF-style: chr2-189909952-G-A.
Other names: p.R1106W:CGG>TGG; p.Arg1106Trp; c.3316C>T (NM_000393.4); short protein forms R1106W.
Identifiers: ClinVar variation 213156 (VCV000213156.28), dbSNP rs146789395, ClinGen allele CA320721.

ClinVar aggregate classification (germline): Conflicting classifications of pathogenicity. Review status: criteria provided, conflicting classifications (1 of 4 stars). 10 submissions from 10 submitters: Uncertain significance (2); Benign (2); Likely benign (6). Last evaluated 2026-06-01.

Conditions:
Ehlers-Danlos syndrome, classic type, 1 (EDSCL1). Also called: EHLERS-DANLOS SYNDROME, GRAVIS TYPE; EHLERS-DANLOS SYNDROME, SEVERE CLASSIC TYPE; Ehlers-Danlos syndrome, type 1; Ehlers-Danlos Syndrome, Classic Type, COL5A1-Related; EDS I. Identifiers: MedGen C0268335, MONDO:0019567, OMIM 130000.
Ehlers-Danlos syndrome, classic type, 2 (EDSCL2). Also called: Ehlers-Danlos syndrome type 2 (formerly); Ehlers-Danlos syndrome, type 2; Ehlers-Danlos Syndrome, Classic Type, COL5A2-Related. Identifiers: Orphanet 287, Orphanet 90318, MedGen C0268336, MONDO:0019568, OMIM 130010.
Connective tissue disorder. Also called: Connective tissue disease. Identifiers: MedGen C0009782, MONDO:0003900.
Ehlers-Danlos syndrome, classic type (cEDS). Identifiers: Orphanet 287, MedGen C4225429, MONDO:0007522.
Familial thoracic aortic aneurysm and aortic dissection (TAAD). Also called: Thoracic aortic aneurysms and dissections. Identifiers: Orphanet 91387, MedGen C4707243, MONDO:0019625.

Allele frequency attached by ClinVar (database versions not stated): gnomAD 0.00110 and 0.00119; TOPMed 0.00133; ESP Exome Variant Server 0.00138; 1000 Genomes Project 30x 0.00234; 1000 Genomes Project 0.00240.
gnomAD v4.1: 391 of 1,605,576 alleles (0.024%); highest among the groups gnomAD compares: African/African-American, 0.36%; 1 homozygote.

Submissions (10):

CeGaT Center for Human Genetics Tuebingen
Classification: Likely benign. Last evaluated: 2026-06-01. Review status: criteria provided, single submitter. Criteria: CeGaT Center For Human Genetics Tuebingen Variant Classification Criteria Version 2. Collection method: clinical testing. Allele origin: germline. Affected: yes. Observed: 1 variant allele.
Comment: COL5A2: PP2, BS2

Molecular Diagnostic Laboratory for Inherited Cardiovascular Disease, Montreal Heart Institute
Classification: Likely benign. Last evaluated: 2026-03-27. Review status: criteria provided, single submitter. Criteria: ACMG Guidelines, 2015. Collection method: clinical testing. Allele origin: germline. Affected: no.
Comment: BS1

Labcorp Genetics (formerly Invitae), Labcorp
Classification: Benign for Ehlers-Danlos syndrome, classic type, 1. Last evaluated: 2026-01-26. Review status: criteria provided, single submitter. Criteria: Invitae Variant Classification Sherloc (09022015). Collection method: clinical testing. Allele origin: germline.

Mayo Clinic Laboratories, Mayo Clinic
Classification: Likely benign. Last evaluated: 2025-07-31. Review status: criteria provided, single submitter. Criteria: ACMG Guidelines, 2015. Collection method: clinical testing. Allele origin: germline. Observed: 4 variant alleles.
Comment: BS1, PP3

Women's Health and Genetics/Laboratory Corporation of America, LabCorp
Classification: Likely benign. Last evaluated: 2025-05-08. Review status: criteria provided, single submitter. Criteria: LabCorp Variant Classification Summary - May 2015. Collection method: clinical testing. Allele origin: germline.

Ambry Genetics
Classification: Likely benign for Familial thoracic aortic aneurysm and aortic dissection. Last evaluated: 2022-01-20. Review status: criteria provided, single submitter. Criteria: Ambry Variant Classification Scheme 2023. Collection method: clinical testing. Allele origin: germline.

Department of Pathology and Laboratory Medicine, Sinai Health System
Classification: Uncertain significance for Ehlers-Danlos syndrome, classic type. Last evaluated: 2021-07-30. Review status: criteria provided, single submitter. Criteria: ACMG Guidelines, 2015. Collection method: research. Allele origin: germline.

GeneDx
Classification: Likely benign. Last evaluated: 2020-10-19. Review status: criteria provided, single submitter. Criteria: GeneDx Variant Classification Process June 2021. Collection method: clinical testing. Allele origin: germline. Affected: yes.
Comment: Occurs in the triple helical domain at the Y position in the canonical Gly-X-Y repeat; although this variant may have an effect on normal protein folding and function, missense substitution at the Y position is not a common mechanism of disease (Symoens et al., 2012; Stenson et al., 2014)

Illumina Laboratory Services, Illumina
Classification: Benign for Ehlers-Danlos syndrome, classic type, 2. Last evaluated: 2018-01-12. Review status: criteria provided, single submitter. Criteria: ICSL Variant Classification Criteria 13 December 2019. Collection method: clinical testing. Allele origin: germline.
Comment: This variant was observed in the ICSL laboratory as part of a predisposition screen in an ostensibly healthy population. It had not been previously curated by ICSL or reported in the Human Gene Mutation Database (HGMD: prior to June 1st, 2018), and was therefore a candidate for classification through an automated scoring system. Utilizing variant allele frequency, disease prevalence and penetrance estimates, and inheritance mode, an automated score was calculated to assess if this variant is too frequent to cause the disease. Based on the score and internal cut-off values, a variant classified as benign is not then subjected to further curation. The score for this variant resulted in a classification of benign for this disease.

Center for Human Genetics, Inc
Classification: Uncertain significance for Connective tissue disorder. Last evaluated: 2016-11-01. Review status: criteria provided, single submitter. Criteria: ACMG Guidelines, 2015. Collection method: clinical testing. Allele origin: germline. Affected: yes.

Literature cited by the submitters: PubMed 33974636 (cited by Mayo Clinic Laboratories, Mayo Clinic); PubMed 28087566 (cited by Ambry Genetics).